The following is an entry in ClinVar:

ClinVar aggregate classification (germline): Uncertain significance. Review status: criteria provided, multiple submitters, no conflicts (2 of 4 stars). 2 submissions from 2 submitters: Uncertain significance (2). Last evaluated 2025-06-21.

Conditions:
Inborn genetic diseases. Identifiers: MedGen C0950123, MeSH D030342.
Deafness-lymphedema-leukemia syndrome. Also called: Lymphedema, primary, with myelodysplasia; Emberger syndrome. Identifiers: Orphanet 3226, MedGen C3279664, MONDO:0013540, OMIM 614038.
Monocytopenia with susceptibility to infections. Also called: COMBINED IMMUNODEFICIENCY WITH SUSCEPTIBILITY TO MYCOBACTERIAL, VIRAL, AND FUNGAL INFECTIONS; MONOCYTOPENIA AND MYCOBACTERIAL INFECTION SYNDROME; MONOCYTOPENIA WITH SUSCEPTIBILITY TO MYCOBACTERIAL, FUNGAL, AND PAPILLOMAVIRUS INFECTIONS AND MYELODYSPLASIA; Dendritic cell, monocyte, B lymphocyte, and natural killer lymphocyte deficiency; IMMUNODEFICIENCY 21; GATA2 DEFICIENCY. Identifiers: Orphanet 228423, MedGen C3280030, MONDO:0013607, OMIM 614172.

Allele frequency attached by ClinVar (database versions not stated): gnomAD exomes below 0.00001.

Submissions (2):

Ambry Genetics
Classification: Uncertain significance for Inborn genetic diseases. Last evaluated: 2025-06-21. Review status: criteria provided, single submitter. Criteria: Ambry Variant Classification Scheme 2023. Collection method: clinical testing. Allele origin: germline.
Comment: The p.S148N variant (also known as c.443G>A), located in coding exon 2 of the GATA2 gene, results from a G to A substitution at nucleotide position 443. The serine at codon 148 is replaced by asparagine, an amino acid with highly similar properties. This amino acid position is conserved. In addition, the in silico prediction for this alteration is inconclusive. Based on the available evidence, the clinical significance of this variant remains unclear.

Labcorp Genetics (formerly Invitae), Labcorp
Classification: Uncertain significance for Monocytopenia with susceptibility to infections; Deafness-lymphedema-leukemia syndrome. Last evaluated: 2022-01-12. Review status: criteria provided, single submitter. Criteria: Invitae Variant Classification Sherloc (09022015). Collection method: clinical testing. Allele origin: germline.
Comment: This sequence change replaces serine, which is neutral and polar, with asparagine, which is neutral and polar, at codon 148 of the GATA2 protein (p.Ser148Asn). In summary, the available evidence is currently insufficient to determine the role of this variant in disease. Therefore, it has been classified as a Variant of Uncertain Significance. Advanced modeling of protein sequence and biophysical properties (such as structural, functional, and spatial information, amino acid conservation, physicochemical variation, residue mobility, and thermodynamic stability) performed at Invitae indicates that this missense variant is not expected to disrupt GATA2 protein function. This variant has not been reported in the literature in individuals affected with GATA2-related conditions. This variant is not present in population databases (gnomAD no frequency).

NM_032638.5(GATA2):c.443G>A (p.Ser148Asn)

Gene: GATA2 (GATA binding protein 2; minus strand). Cytogenetic location: 3q21.3.
Variant type: single nucleotide variant.
Coding change: c.443G>A on transcript NM_032638.5 (MANE Select); coding-DNA position 443, G replaced by A.
Protein change: p.Ser148Asn; replaces serine 148 with asparagine.
Molecular consequence: missense variant.
Genome position (GRCh38, 1-based): chr3:128,486,155, C>T on the plus strand (G>A on the coding strand, the complement: GATA2 is on the minus strand). VCF-style: chr3-128486155-C-T. GRCh37 (hg19) VCF-style: chr3-128204998-C-T.
Other names: c.443G>A, p.Ser148Asn (NM_001145661.2, NM_001145662.1); short protein forms S148N.
Identifiers: ClinVar variation 2081489 (VCV002081489.5), dbSNP rs2472931453, ClinGen allele CA354406744.